The following is an entry in ClinVar:

NM_022773.4(LMF1):c.1651G>A (p.Glu551Lys)

Gene: LMF1 (lipase maturation factor 1; minus strand). Cytogenetic location: 16p13.3.
Variant type: single nucleotide variant.
Coding change: c.1651G>A on transcript NM_022773.4 (MANE Select); coding-DNA position 1651, G replaced by A.
Protein change: p.Glu551Lys; replaces glutamic acid 551 with lysine.
Molecular consequence: missense variant. On other transcripts: non-coding transcript variant (1).
Genome position (GRCh38, 1-based): chr16:854,585, C>T on the plus strand (G>A on the coding strand, the complement: LMF1 is on the minus strand). VCF-style: chr16-854585-C-T. GRCh37 (hg19) VCF-style: chr16-904585-C-T.
Other names: c.1000G>A, p.Glu334Lys (NM_001352017.2, NM_001352021.2); c.1252G>A, p.Glu418Lys (NM_001352018.2); c.1324G>A, p.Glu442Lys (NM_001352019.2); c.1571G>A, p.Gly524Glu (NM_001352020.1); short protein forms E442K, E551K, G524E, E334K, E418K.
Identifiers: ClinVar variation 2622049 (VCV002622049.3), dbSNP rs751822327, ClinGen allele CA7796850.
Genomic context (GRCh38, chr16:854,585, plus strand): 5'-TGCACGTCTAGAGGGGCCCGGGCAGAGGCCACCCACGGTCCCTGAAGTAGGGCCTCAGCT[C>T]CTCCAGGCTGAGCGGAGGGAAGTAGGCTCCGATCCTCTTCCGCACCCACCACTTGCCCTC-3'
Protein context (NP_073610.2, residues 541-561): GAYFPPLSLE[Glu551Lys]LRPYFRDRGW

ClinVar aggregate classification (germline): Uncertain significance (1 of 4 stars; one submission).

Conditions:
Cardiovascular phenotype. Identifiers: MedGen CN230736.

Allele frequency attached by ClinVar (database versions not stated): gnomAD exomes below 0.00001; ExAC 0.00001.
gnomAD v4.1: 2 of 1,607,810 alleles (0.00012%); highest among the groups gnomAD compares: African/African-American, 0.0013%; no homozygotes.

Submission:

Ambry Genetics
Classification: Uncertain significance for Cardiovascular phenotype. Last evaluated: 2024-05-17. Review status: criteria provided, single submitter. Criteria: Ambry Variant Classification Scheme 2023. Collection method: clinical testing. Allele origin: germline.
Comment: The p.E551K variant (also known as c.1651G>A), located in coding exon 11 of the LMF1 gene, results from a G to A substitution at nucleotide position 1651. The glutamic acid at codon 551 is replaced by lysine, an amino acid with similar properties. This amino acid position is conserved. In addition, this alteration is predicted to be tolerated by in silico analysis. Based on the available evidence, the clinical significance of this variant remains unclear.